The following is an entry in ClinVar:

NM_001369.3(DNAH5):c.9857C>T (p.Ala3286Val)

Gene: DNAH5 (dynein axonemal heavy chain 5; minus strand). Cytogenetic location: 5p15.2.
Variant type: single nucleotide variant.
Coding change: c.9857C>T on transcript NM_001369.3 (MANE Select); coding-DNA position 9857, C replaced by T.
Protein change: p.Ala3286Val; replaces alanine 3286 with valine.
Molecular consequence: missense variant.
Genome position (GRCh38, 1-based): chr5:13,769,000, G>A on the plus strand (C>T on the coding strand, the complement: DNAH5 is on the minus strand). VCF-style: chr5-13769000-G-A. GRCh37 (hg19) VCF-style: chr5-13769109-G-A.
Other names: short protein forms A3286V.
Identifiers: ClinVar variation 1768409 (VCV001768409.2), dbSNP rs746602106, ClinGen allele CA113930771.

ClinVar aggregate classification (germline): Uncertain significance (1 of 4 stars; one submission).

Conditions:
Primary ciliary dyskinesia. Also called: Ciliary dyskinesia. Identifiers: Orphanet 244, MedGen C0008780, MONDO:0016575, HP:0012265.

Allele frequency attached by ClinVar (database versions not stated): gnomAD exomes below 0.00001; TOPMed below 0.00001; gnomAD 0.00001.
gnomAD v4.1: 8 of 1,614,072 alleles (0.0005%); highest among the groups gnomAD compares: East Asian, 0.0022%; no homozygotes.

Submission:

Ambry Genetics
Classification: Uncertain significance for Primary ciliary dyskinesia. Last evaluated: 2019-01-05. Review status: criteria provided, single submitter. Criteria: Ambry Variant Classification Scheme 2023. Collection method: clinical testing. Allele origin: germline.
Comment: The p.A3286V variant (also known as c.9857C>T), located in coding exon 58 of the DNAH5 gene, results from a C to T substitution at nucleotide position 9857. The alanine at codon 3286 is replaced by valine, an amino acid with similar properties. This amino acid position is highly conserved in available vertebrate species. In addition, this alteration is predicted to be tolerated by in silico analysis. Since supporting evidence is limited at this time, the clinical significance of this alteration remains unclear.